The following is an entry in ClinVar:

ClinVar aggregate classification (germline): Uncertain significance (1 of 4 stars; one submission).

Submission:

Dasa
Classification: Uncertain significance. Last evaluated: 2026-04-13. Review status: criteria provided, single submitter. Criteria: DASA Assertion Criteria. Collection method: clinical testing. Allele origin: germline.
Comment: NM_014991.6(WDFY3):c.180+2T>G affects a canonical splice site and is predicted to disrupt normal RNA splicing. This variant is rare in population databases. The currently available literature and clinical evidence are not sufficient to establish a definitive association between this variant and the reported condition. Therefore, this variant is classified as a variant of uncertain significance.

NM_014991.6(WDFY3):c.180+2T>G

Gene: WDFY3 (WD repeat and FYVE domain containing 3; minus strand). Cytogenetic location: 4q21.23.
Variant type: single nucleotide variant.
Coding change: c.180+2T>G on transcript NM_014991.6 (MANE Select); the canonical splice donor site of the intron after coding-DNA position 180, T replaced by G.
Molecular consequence: splice donor variant.
Genome position (GRCh38, 1-based): chr4:84,860,410, A>C on the plus strand (T>G on the coding strand, the complement: WDFY3 is on the minus strand). VCF-style: chr4-84860410-A-C. GRCh37 (hg19) VCF-style: chr4-85781563-A-C.
Identifiers: ClinVar variation 4886693 (VCV004886693.2).